The following is an entry in ClinVar:

ClinVar aggregate classification (germline): Uncertain significance (1 of 4 stars; one submission).

Submission:

Labcorp Genetics (formerly Invitae), Labcorp
Classification: Uncertain significance. Last evaluated: 2024-06-03. Review status: criteria provided, single submitter. Criteria: Invitae Variant Classification Sherloc (09022015). Collection method: clinical testing. Allele origin: germline.
Comment: This sequence change replaces threonine, which is neutral and polar, with isoleucine, which is neutral and non-polar, at codon 365 of the XPR1 protein (p.Thr365Ile). This variant is not present in population databases (gnomAD no frequency). This variant has not been reported in the literature in individuals affected with XPR1-related conditions. ClinVar contains an entry for this variant (Variation ID: 2111595). Advanced modeling of protein sequence and biophysical properties (such as structural, functional, and spatial information, amino acid conservation, physicochemical variation, residue mobility, and thermodynamic stability) performed at Invitae indicates that this missense variant is not expected to disrupt XPR1 protein function with a negative predictive value of 80%. In summary, the available evidence is currently insufficient to determine the role of this variant in disease. Therefore, it has been classified as a Variant of Uncertain Significance.

NM_004736.4(XPR1):c.1094C>T (p.Thr365Ile)

Gene: XPR1 (xenotropic and polytropic retrovirus receptor 1; plus strand). Cytogenetic location: 1q25.3.
Variant type: single nucleotide variant.
Coding change: c.1094C>T on transcript NM_004736.4 (MANE Select); coding-DNA position 1094, C replaced by T.
Protein change: p.Thr365Ile; replaces threonine 365 with isoleucine.
Molecular consequence: missense variant. On other transcripts: non-coding transcript variant (1).
Genome position (GRCh38, 1-based): chr1:180,825,304, C>T. VCF-style: chr1-180825304-C-T. GRCh37 (hg19) VCF-style: chr1-180794440-C-T.
Other names: c.1094C>T, p.Thr365Ile (NM_001135669.2, NM_001328662.2); short protein forms T365I.
Identifiers: ClinVar variation 2111595 (VCV002111595.4), dbSNP rs2525889321, ClinGen allele CA343840210.